The following is an entry in ClinVar:

ClinVar aggregate classification (germline): Uncertain significance. Review status: criteria provided, multiple submitters, no conflicts (2 of 4 stars). 3 submissions from 3 submitters: Uncertain significance (3). Last evaluated 2025-11-06.

Conditions:
Deficiency of ferroxidase (ACEP). Also called: Ceruloplasmin deficiency; Familial apoceruloplasmin deficiency; Hereditary ceruloplasmin deficiency; Deficiency of ceruloplasmin; Aceruloplasminemia; NEURODEGENERATION WITH BRAIN IRON ACCUMULATION 10. Identifiers: Orphanet 48818, MedGen C0878682, MONDO:0011426, OMIM 604290, HP:0025498.
Inborn genetic diseases. Identifiers: MedGen C0950123, MeSH D030342.

Allele frequency attached by ClinVar (database versions not stated): ExAC 0.00001; TOPMed 0.00001; gnomAD exomes 0.00001.
gnomAD v4.1: 10 of 1,613,750 alleles (0.00062%); highest among the groups gnomAD compares: Non-Finnish European, 0.00085%; no homozygotes.

Submissions (3):

Mayo Clinic Laboratories, Mayo Clinic
Classification: Uncertain significance. Last evaluated: 2025-11-06. Review status: criteria provided, single submitter. Criteria: ACMG Guidelines, 2015. Collection method: clinical testing. Allele origin: germline. Observed: 1 variant allele.
Comment: PP3_strong, PM2_supporting

Ambry Genetics
Classification: Uncertain significance for Inborn genetic diseases. Last evaluated: 2023-09-26. Review status: criteria provided, single submitter. Criteria: Ambry Variant Classification Scheme 2023. Collection method: clinical testing. Allele origin: germline.

Labcorp Genetics (formerly Invitae), Labcorp
Classification: Uncertain significance for Deficiency of ferroxidase. Last evaluated: 2022-07-29. Review status: criteria provided, single submitter. Criteria: Invitae Variant Classification Sherloc (09022015). Collection method: clinical testing. Allele origin: germline.
Comment: This variant has not been reported in the literature in individuals affected with CP-related conditions. In summary, the available evidence is currently insufficient to determine the role of this variant in disease. Therefore, it has been classified as a Variant of Uncertain Significance. Advanced modeling of protein sequence and biophysical properties (such as structural, functional, and spatial information, amino acid conservation, physicochemical variation, residue mobility, and thermodynamic stability) performed at Invitae indicates that this missense variant is expected to disrupt CP protein function. ClinVar contains an entry for this variant (Variation ID: 1002426). This variant is present in population databases (rs765086883, gnomAD 0.003%). This sequence change replaces glycine, which is neutral and non-polar, with alanine, which is neutral and non-polar, at codon 264 of the CP protein (p.Gly264Ala).

NM_000096.4(CP):c.791G>C (p.Gly264Ala)

Gene: CP (ceruloplasmin; minus strand). Cytogenetic location: 3q25.1.
Variant type: single nucleotide variant.
Coding change: c.791G>C on transcript NM_000096.4 (MANE Select); coding-DNA position 791, G replaced by C.
Protein change: p.Gly264Ala; replaces glycine 264 with alanine.
Molecular consequence: missense variant. On other transcripts: non-coding transcript variant (1).
Genome position (GRCh38, 1-based): chr3:149,207,608, C>G on the plus strand (G>C on the coding strand, the complement: CP is on the minus strand). VCF-style: chr3-149207608-C-G. GRCh37 (hg19) VCF-style: chr3-148925395-C-G.
Other names: p.Gly264Ala; c.791G>C (NM_000096.3); short protein forms G264A.
Identifiers: ClinVar variation 1002426 (VCV001002426.8), dbSNP rs765086883, ClinGen allele CA2661222.
Genomic context (GRCh38, chr3:149,207,608, plus strand): 5'-TACCATTTTACTCTGTCTTCAGCACACATGGAGAGTCCTGGGAGACTTCCAAAAGTGTAT[C>G]CATTCACAGCTGTAAGTCAAGAGCAGAGTTTGTGACTAAGAGTCATTAATGCTTGAGATA-3'
Protein context (NP_000087.2, residues 254-274): QESNRMYSVN[Gly264Ala]YTFGSLPGLS